The following is an entry in ClinVar:

NM_144508.5(KNL1):c.1238C>T (p.Pro413Leu)

Gene: KNL1 (kinetochore scaffold 1; plus strand). Cytogenetic location: 15q15.1.
Variant type: single nucleotide variant.
Coding change: c.1238C>T on transcript NM_144508.5 (MANE Select); coding-DNA position 1238, C replaced by T.
Protein change: p.Pro413Leu; replaces proline 413 with leucine.
Molecular consequence: missense variant.
Genome position (GRCh38, 1-based): chr15:40,621,502, C>T. VCF-style: chr15-40621502-C-T. GRCh37 (hg19) VCF-style: chr15-40913700-C-T.
Other names: c.1316C>T, p.Pro439Leu (NM_170589.5); short protein forms P413L, P439L.
Identifiers: ClinVar variation 1314232 (VCV001314232.2), dbSNP rs746996319, ClinGen allele CA7482635.

ClinVar aggregate classification (germline): Uncertain significance (1 of 4 stars; one submission).

Allele frequency attached by ClinVar (database versions not stated): TOPMed 0.00001.
gnomAD v4.1: 9 of 1,613,860 alleles (0.00056%); highest among the groups gnomAD compares: Admixed American, 0.015%; no homozygotes.

Submission:

GeneDx
Classification: Uncertain significance. Last evaluated: 2021-04-14. Review status: criteria provided, single submitter. Criteria: GeneDx Variant Classification Process June 2021. Collection method: clinical testing. Allele origin: germline. Affected: yes.
Comment: In silico analysis supports that this missense variant has a deleterious effect on protein structure/function; Has not been previously published as pathogenic or benign to our knowledge